The following is an entry in ClinVar:

NM_014384.3(ACAD8):c.512C>G (p.Ser171Cys)

Gene: ACAD8 (acyl-CoA dehydrogenase family member 8; plus strand). Cytogenetic location: 11q25.
Variant type: single nucleotide variant.
Coding change: c.512C>G on transcript NM_014384.3 (MANE Select); coding-DNA position 512, C replaced by G.
Protein change: p.Ser171Cys; replaces serine 171 with cysteine.
Molecular consequence: missense variant.
Genome position (GRCh38, 1-based): chr11:134,259,029, C>G. VCF-style: chr11-134259029-C-G. GRCh37 (hg19) VCF-style: chr11-134128923-C-G.
Identifiers: ClinVar variation 95589 (VCV000095589.61), dbSNP rs113488591, ClinGen allele CA223125.
Genomic context (GRCh38, chr11:134,259,029, plus strand): 5'-TTCTCACCTTCTCTCTGCTGCCTTTTGATCCCTCCTCAGGAAGTGGGAGTGATGCTGCCT[C>G]TCTTCTGACCTCCGCTAAGAAACAGGGAGATCATTACATCCTCAATGGCTCCAAGGTACT-3'
Protein context (NP_055199.1, residues 161-181): TEPGSGSDAA[Ser171Cys]LLTSAKKQGD

ClinVar aggregate classification (germline): Benign/Likely benign. Review status: criteria provided, multiple submitters, no conflicts (2 of 4 stars). 9 submissions from 9 submitters: Benign (6); Likely benign (1). 2 of the submissions do not count toward it. Last evaluated 2026-09-01.

Conditions:
Deficiency of isobutyryl-CoA dehydrogenase. Also called: ACYL-CoA DEHYDROGENASE FAMILY, MEMBER 8, DEFICIENCY OF; ACAD8 DEFICIENCY; IBD DEFICIENCY. Identifiers: Orphanet 79159, MedGen C1969809, MONDO:0012648, OMIM 611283.

Allele frequency attached by ClinVar (database versions not stated): 1000 Genomes Project 30x 0.00671; 1000 Genomes Project 0.00679; gnomAD exomes 0.01428; ESP Exome Variant Server 0.01754; gnomAD 0.01568 and 0.01528; ExAC 0.01433; TOPMed 0.01587.
gnomAD v4.1: 33,862 of 1,613,960 alleles (2.1%); highest among the groups gnomAD compares: Non-Finnish European, 2.5%; 407 homozygotes.

Submissions (9):

CeGaT Center for Human Genetics Tuebingen
Classification: Benign. Last evaluated: 2026-09-01. Review status: criteria provided, single submitter. Criteria: CeGaT Center For Human Genetics Tuebingen Variant Classification Criteria Version 2. Collection method: clinical testing. Allele origin: germline. Affected: yes. Observed: 5 variant alleles.
Comment: ACAD8: BS1, BS2

Labcorp Genetics (formerly Invitae), Labcorp
Classification: Benign for Deficiency of isobutyryl-CoA dehydrogenase. Last evaluated: 2026-01-27. Review status: criteria provided, single submitter. Criteria: Invitae Variant Classification Sherloc (09022015). Collection method: clinical testing. Allele origin: germline.

Mayo Clinic Laboratories, Mayo Clinic
Classification: Benign. Last evaluated: 2021-11-18. Review status: criteria provided, single submitter. Criteria: ACMG Guidelines, 2015. Collection method: clinical testing. Allele origin: germline. Observed: 2 variant alleles.
Comment: BA1, PP3

GeneDx
Classification: Benign. Last evaluated: 2018-08-27. Review status: criteria provided, single submitter. Criteria: GeneDx Variant Classification Process June 2021. Collection method: clinical testing. Allele origin: germline. Affected: yes.
Comment: This variant is associated with the following publications: (PMID: 22995991, 17304052, 24635911, 27535533, 30626930)

Illumina Laboratory Services, Illumina
Classification: Likely benign for Deficiency of isobutyryl-CoA dehydrogenase. Last evaluated: 2017-04-27. Review status: criteria provided, single submitter. Criteria: ICSL Variant Classification Criteria 13 December 2019. Collection method: clinical testing. Allele origin: germline.
Comment: This variant was observed as part of a predisposition screen in an ostensibly healthy population. A literature search was performed for the gene, cDNA change, and amino acid change (where applicable). Publications were found based on this search. The evidence from the literature, in combination with allele frequency data from public databases where available, was sufficient to determine this variant is unlikely to cause disease. Therefore, this variant is classified as likely benign.

Eurofins Ntd Llc (ga)
Classification: Benign. Last evaluated: 2017-04-12. Review status: criteria provided, single submitter. Criteria: EGL Classification Definitions 2015. Collection method: clinical testing. Allele origin: germline. Observed: 13 variant alleles, 10 heterozygotes, 3 homozygotes.

Broad Center for Mendelian Genomics, Broad Institute of MIT and Harvard
Classification: Benign for Deficiency of isobutyryl-CoA dehydrogenase. Review status: criteria provided, single submitter. Criteria: ACMG Guidelines, 2015. Collection method: research. Allele origin: germline. Inheritance: Autosomal recessive inheritance. Affected: yes.
Comment: The heterozygous p.Ser171Cys variant in ACAD8 has been reported in the compound heterozygous state in an individual with isobutyryl-CoA dehydrogenase deficiency (PMID: 17304052), but has been classified as benign for autosomal recessive isobutyryl-CoA dehydrogenase deficiency because it was identified in >2% of European (non-Finnish) chromosomes and 20 homozygotes by ExAC, and less than 5 affected individuals have ever been reported.

Genome Diagnostics Laboratory, University Medical Center Utrecht
Classification: Likely benign. Review status: no assertion criteria provided. Collection method: clinical testing. Allele origin: germline. Affected: yes. Study: VKGL Data-share Consensus. Not counted in ClinVar's aggregate classification.

Joint Genome Diagnostic Labs from Nijmegen and Maastricht, Radboudumc and MUMC+
Classification: Likely benign. Review status: no assertion criteria provided. Collection method: clinical testing. Allele origin: germline. Affected: yes. Study: VKGL Data-share Consensus. Not counted in ClinVar's aggregate classification.

Literature cited by the submitters: PubMed 17304052 (cited by Illumina Laboratory Services, Illumina).